The following is an entry in ClinVar:

ClinVar aggregate classification (germline): Pathogenic (1 of 4 stars; one submission).

Submission:

GeneDx
Classification: Pathogenic. Last evaluated: 2019-11-13. Review status: criteria provided, single submitter. Criteria: GeneDx Variant Classification Process June 2021. Collection method: clinical testing. Allele origin: germline. Affected: yes.
Comment: Canonical splice site variant in a gene for which loss-of-function is a known mechanism of disease; Not observed in large population cohorts (Lek et al., 2016); Previously reported in association with dystrophinopathy (Flanigan et al., 2009).; This variant is associated with the following publications: (PMID: 25525159, 19937601, 30719784)

NM_004006.3(DMD):c.6762+1G>T

Gene: DMD (dystrophin; minus strand). Cytogenetic location: Xp21.1.
Variant type: single nucleotide variant.
Coding change: c.6762+1G>T on transcript NM_004006.3 (MANE Select); the canonical splice donor site of the intron after coding-DNA position 6762, G replaced by T.
Molecular consequence: splice donor variant.
Genome position (GRCh38, 1-based): chrX:31,932,079, C>A on the plus strand (G>T on the coding strand, the complement: DMD is on the minus strand). VCF-style: chrX-31932079-C-A. GRCh37 (hg19) VCF-style: chrX-31950196-C-A.
Other names: c.6738+1G>T (NM_000109.4); c.2739+1G>T (NM_004011.4); c.2730+1G>T (NM_004012.4); c.-619+1G>T (NM_004023.3, NM_004020.4, NM_004022.3 and 2 more transcripts); c.6750+1G>T (NM_004009.3); c.6393+1G>T (NM_004010.3).
Identifiers: ClinVar variation 265412 (VCV000265412.3), dbSNP rs886039534, ClinGen allele CA10588769.
Genomic context (GRCh38, chrX:31,932,079, plus strand): 5'-AATAGATTCATATACTTCTTTATGCAAGCAGGCCCTGGGGGATTTGAGAAAATAAAATTA[C>A]CTTGACTTGCTCAAGCTTTTCTTTTAGTTGCTGCTCTTTTCCAGGTTCAAGTGGGATACT-3'